The following is an entry in ClinVar:

NM_198253.3(TERT):c.1240C>T (p.Pro414Ser)

Gene: TERT (telomerase reverse transcriptase; minus strand). Cytogenetic location: 5p15.33.
Variant type: single nucleotide variant.
Coding change: c.1240C>T on transcript NM_198253.3 (MANE Select); coding-DNA position 1240, C replaced by T.
Protein change: p.Pro414Ser; replaces proline 414 with serine.
Molecular consequence: missense variant. On other transcripts: non-coding transcript variant (2).
Genome position (GRCh38, 1-based): chr5:1,293,646, G>A on the plus strand (C>T on the coding strand, the complement: TERT is on the minus strand). VCF-style: chr5-1293646-G-A. GRCh37 (hg19) VCF-style: chr5-1293761-G-A.
Other names: c.1240C>T, p.Pro414Ser (NM_001193376.3); short protein forms P414S.
Identifiers: ClinVar variation 1449796 (VCV001449796.6), dbSNP rs2126685248, ClinGen allele CA359086454.
Genomic context (GRCh38, chr5:1,293,646, plus strand): 5'-AGCCCTGGGGCTTCTCCCGGGCACAGACACCGGCTGCTGGGGTGACCGCAGCTCGCAGCG[G>A]GCAGTGCGTCTTGAGGAGCACCCCGTAGGGGCACTGCGCGTGGTTCCCAAGCAGCTCCAG-3'
Protein context (NP_937983.2, residues 404-424): PYGVLLKTHC[Pro414Ser]LRAAVTPAAG

ClinVar aggregate classification (germline): Uncertain significance (1 of 4 stars; one submission).

Conditions:
Idiopathic Pulmonary Fibrosis. Also called: Idiopathic fibrosing alveolitis, chronic form; idiopathic fibrosing alveolitis. Identifiers: Orphanet 2032, MedGen C1800706, MeSH D054990, MONDO:0800504.
Dyskeratosis congenita, autosomal dominant 2. Identifiers: MedGen C3151443, MONDO:0013521, OMIM 613989.

Allele frequency attached by ClinVar (database versions not stated): gnomAD exomes below 0.00001.
gnomAD v4.1: 1 of 1,559,494 alleles (0.000064%); highest among the groups gnomAD compares: South Asian, 0.0012%; no homozygotes.

Submission:

Labcorp Genetics (formerly Invitae), Labcorp
Classification: Uncertain significance for Dyskeratosis congenita, autosomal dominant 2; Idiopathic Pulmonary Fibrosis. Last evaluated: 2021-12-15. Review status: criteria provided, single submitter. Criteria: Invitae Variant Classification Sherloc (09022015). Collection method: clinical testing. Allele origin: germline.
Comment: This sequence change replaces proline, which is neutral and non-polar, with serine, which is neutral and polar, at codon 414 of the TERT protein (p.Pro414Ser). This variant is not present in population databases (gnomAD no frequency). This variant has not been reported in the literature in individuals affected with TERT-related conditions. Advanced modeling of protein sequence and biophysical properties (such as structural, functional, and spatial information, amino acid conservation, physicochemical variation, residue mobility, and thermodynamic stability) performed at Invitae indicates that this missense variant is expected to disrupt TERT protein function. In summary, the available evidence is currently insufficient to determine the role of this variant in disease. Therefore, it has been classified as a Variant of Uncertain Significance.